The following is an entry in ClinVar:

ClinVar aggregate classification (germline): Uncertain significance (1 of 4 stars; one submission).

Allele frequency attached by ClinVar (database versions not stated): gnomAD 0.00001.
gnomAD v4.1: 2 of 1,604,732 alleles (0.00012%); highest among the groups gnomAD compares: Non-Finnish European, 0.00017%; no homozygotes.

Submission:

Labcorp Genetics (formerly Invitae), Labcorp
Classification: Uncertain significance. Last evaluated: 2023-06-06. Review status: criteria provided, single submitter. Criteria: Invitae Variant Classification Sherloc (09022015). Collection method: clinical testing. Allele origin: germline.
Comment: In summary, the available evidence is currently insufficient to determine the role of this variant in disease. Therefore, it has been classified as a Variant of Uncertain Significance. Advanced modeling of protein sequence and biophysical properties (such as structural, functional, and spatial information, amino acid conservation, physicochemical variation, residue mobility, and thermodynamic stability) performed at Invitae indicates that this missense variant is not expected to disrupt HNF1B protein function. This variant has not been reported in the literature in individuals affected with HNF1B-related conditions. This variant is not present in population databases (gnomAD no frequency). This sequence change replaces arginine, which is basic and polar, with glutamine, which is neutral and polar, at codon 107 of the HNF1B protein (p.Arg107Gln).

NM_000458.4(HNF1B):c.320G>A (p.Arg107Gln)

Gene: HNF1B (HNF1 homeobox B; minus strand). Cytogenetic location: 17q12.
Variant type: single nucleotide variant.
Coding change: c.320G>A on transcript NM_000458.4 (MANE Select); coding-DNA position 320, G replaced by A.
Protein change: p.Arg107Gln; replaces arginine 107 with glutamine.
Molecular consequence: missense variant.
Genome position (GRCh38, 1-based): chr17:37,744,565, C>T on the plus strand (G>A on the coding strand, the complement: HNF1B is on the minus strand). VCF-style: chr17-37744565-C-T. GRCh37 (hg19) VCF-style: chr17-36104556-C-T.
Other names: c.320G>A, p.Arg107Gln (NM_001165923.4, NM_001304286.2, NM_001411100.1); short protein forms R107Q.
Identifiers: ClinVar variation 2814158 (VCV002814158.3), dbSNP rs970826378, ClinGen allele CA290293048.